The following is an entry in ClinVar:

NM_001164508.2(NEB):c.9346G>A (p.Glu3116Lys)

Gene: NEB (nebulin; minus strand). Cytogenetic location: 2q23.3.
Variant type: single nucleotide variant.
Coding change: c.9346G>A on transcript NM_001164508.2 (MANE Select); coding-DNA position 9346, G replaced by A.
Protein change: p.Glu3116Lys; replaces glutamic acid 3116 with lysine.
Molecular consequence: missense variant. On other transcripts: intron variant (1).
Genome position (GRCh38, 1-based): chr2:151,633,722, C>T on the plus strand (G>A on the coding strand, the complement: NEB is on the minus strand). VCF-style: chr2-151633722-C-T. GRCh37 (hg19) VCF-style: chr2-152490236-C-T.
Other names: c.9346G>A, p.Glu3116Lys (NM_001164507.2, NM_001271208.2); c.8854-2544G>A (NM_004543.5); short protein forms E3116K.
Identifiers: ClinVar variation 384148 (VCV000384148.52), dbSNP rs193042896, ClinGen allele CA1909356.

ClinVar aggregate classification (germline): Likely benign. Review status: criteria provided, multiple submitters, no conflicts (2 of 4 stars). 8 submissions from 8 submitters: Likely benign (5). 3 of the submissions do not count toward it. Last evaluated 2026-02-02.

Conditions:
Nemaline myopathy 2 (NEM2). Also called: Nemaline myopathy 2, autosomal recessive. Identifiers: MedGen C1850569, MONDO:0009725, OMIM 256030.

Allele frequency attached by ClinVar (database versions not stated): TOPMed 0.00121; 1000 Genomes Project 30x 0.00125; 1000 Genomes Project 0.00140; ESP Exome Variant Server 0.00175.
gnomAD v4.1: 2,704 of 1,613,984 alleles (0.17%); highest among the groups gnomAD compares: Middle Eastern, 0.49%; 13 homozygotes.

Submissions (8):

Labcorp Genetics (formerly Invitae), Labcorp
Classification: Likely benign for Nemaline myopathy 2. Last evaluated: 2026-02-02. Review status: criteria provided, single submitter. Criteria: Invitae Variant Classification Sherloc (09022015). Collection method: clinical testing. Allele origin: germline.

CeGaT Center for Human Genetics Tuebingen
Classification: Likely benign. Last evaluated: 2026-01-01. Review status: criteria provided, single submitter. Criteria: CeGaT Center For Human Genetics Tuebingen Variant Classification Criteria Version 2. Collection method: clinical testing. Allele origin: germline. Affected: yes. Observed: 10 variant alleles.
Comment: NEB: BP4, BS1

Blueprint Genetics
Classification: Likely benign. Last evaluated: 2024-11-21. Review status: criteria provided, single submitter. Criteria: ACMG Guidelines, 2015. Collection method: clinical testing. Allele origin: germline.

GeneDx
Classification: Likely benign. Last evaluated: 2021-01-18. Review status: criteria provided, single submitter. Criteria: GeneDx Variant Classification Process June 2021. Collection method: clinical testing. Allele origin: germline. Affected: yes.

Breakthrough Genomics
Classification: Likely benign. Review status: criteria provided, single submitter. Criteria: ACMG Guidelines, 2015. Collection method: not provided. Allele origin: germline. Inheritance: Autosomal recessive inheritance. Affected: yes.

Natera, Inc.
Classification: Benign for Nemaline myopathy type 2. Last evaluated: 2019-12-09. Review status: no assertion criteria provided. Collection method: clinical testing. Allele origin: germline. Not counted in ClinVar's aggregate classification.

Clinical Genetics DNA and cytogenetics Diagnostics Lab, Erasmus MC, Erasmus Medical Center
Classification: Likely benign. Review status: no assertion criteria provided. Collection method: clinical testing. Allele origin: germline. Affected: yes. Study: VKGL Data-share Consensus. Not counted in ClinVar's aggregate classification.

Genome Diagnostics Laboratory, University Medical Center Utrecht
Classification: Likely benign. Review status: no assertion criteria provided. Collection method: clinical testing. Allele origin: germline. Affected: yes. Study: VKGL Data-share Consensus. Not counted in ClinVar's aggregate classification.